The following is an entry in ClinVar:

ClinVar aggregate classification (germline): Uncertain significance (1 of 4 stars; one submission).

Conditions:
Familial cancer of breast. Also called: hereditary breast carcinoma; Hereditary breast cancer; BREAST CANCER, FAMILIAL. Identifiers: Orphanet 227535, MedGen C0346153, MONDO:0016419, OMIM 114480. Disease mechanism: loss of function.

Submission:

Labcorp Genetics (formerly Invitae), Labcorp
Classification: Uncertain significance for Familial cancer of breast. Last evaluated: 2023-11-19. Review status: criteria provided, single submitter. Criteria: Invitae Variant Classification Sherloc (09022015). Collection method: clinical testing. Allele origin: germline.
Comment: This sequence change replaces lysine, which is basic and polar, with asparagine, which is neutral and polar, at codon 393 of the PALB2 protein (p.Lys393Asn). This variant is not present in population databases (gnomAD no frequency). This variant has not been reported in the literature in individuals affected with PALB2-related conditions. Advanced modeling of protein sequence and biophysical properties (such as structural, functional, and spatial information, amino acid conservation, physicochemical variation, residue mobility, and thermodynamic stability) performed at Invitae indicates that this missense variant is not expected to disrupt PALB2 protein function with a negative predictive value of 80%. In summary, the available evidence is currently insufficient to determine the role of this variant in disease. Therefore, it has been classified as a Variant of Uncertain Significance.

NM_024675.4(PALB2):c.1179A>C (p.Lys393Asn)

Gene: PALB2 (partner and localizer of BRCA2; minus strand). Cytogenetic location: 16p12.2.
Variant type: single nucleotide variant.
Coding change: c.1179A>C on transcript NM_024675.4 (MANE Select); coding-DNA position 1179, A replaced by C.
Protein change: p.Lys393Asn; replaces lysine 393 with asparagine.
Molecular consequence: missense variant. On other transcripts: intron variant (3).
Genome position (GRCh38, 1-based): chr16:23,635,367, T>G on the plus strand (A>C on the coding strand, the complement: PALB2 is on the minus strand). VCF-style: chr16-23635367-T-G. GRCh37 (hg19) VCF-style: chr16-23646688-T-G.
Other names: c.1119A>C, p.Lys373Asn (NM_001407296.1); c.1179A>C, p.Lys393Asn (NM_001407297.1, NM_001407298.1, NM_001407299.1 and 3 more transcripts); c.294A>C, p.Lys98Asn (NM_001407304.1, NM_001407305.1, NM_001407306.1 and 5 more transcripts); c.48+5743A>C (NM_001407314.1); c.-104-4898A>C (NM_001407313.1, NM_001407312.1); short protein forms K393N, K98N, K373N.
Identifiers: ClinVar variation 2695714 (VCV002695714.3), dbSNP rs976340416, ClinGen allele CA395133371.